The following is an entry in ClinVar:

NM_001183.6(ATP6AP1):c.1031G>A (p.Arg344His)

Gene: ATP6AP1 (ATPase H+ transporting accessory protein 1; plus strand). Cytogenetic location: Xq28.
Variant type: single nucleotide variant.
Coding change: c.1031G>A on transcript NM_001183.6 (MANE Select); coding-DNA position 1031, G replaced by A.
Protein change: p.Arg344His; replaces arginine 344 with histidine.
Molecular consequence: missense variant.
Genome position (GRCh38, 1-based): chrX:154,435,333, G>A. VCF-style: chrX-154435333-G-A. GRCh37 (hg19) VCF-style: chrX-153663679-G-A.
Other names: c.1031G>A (NM_001183.4); short protein forms R344H.
Identifiers: ClinVar variation 1339117 (VCV001339117.10), dbSNP rs781936333, ClinGen allele CA415195506.

ClinVar aggregate classification (germline): Uncertain significance. Review status: criteria provided, multiple submitters, no conflicts (2 of 4 stars). 4 submissions from 4 submitters: Uncertain significance (4). Last evaluated 2026-01-29.

Conditions:
Inborn genetic diseases. Identifiers: MedGen C0950123, MeSH D030342.
Immunodeficiency 47 (IMD47). Also called: IMMUNODEFICIENCY AND HEPATOPATHY WITH OR WITHOUT NEUROLOGIC FEATURES. Identifiers: Orphanet 692790, MedGen C4310819, MONDO:0010504, OMIM 300972.

Allele frequency attached by ClinVar (database versions not stated): gnomAD 0.00003 and 0.00002.
gnomAD v4.1: 57 of 1,210,365 alleles (0.0047%); highest among the groups gnomAD compares: Middle Eastern, 0.046%; no homozygotes.

Submissions (4):

Labcorp Genetics (formerly Invitae), Labcorp
Classification: Uncertain significance. Last evaluated: 2026-01-29. Review status: criteria provided, single submitter. Criteria: Invitae Variant Classification Sherloc (09022015). Collection method: clinical testing. Allele origin: germline.
Comment: This sequence change replaces arginine, which is basic and polar, with histidine, which is basic and polar, at codon 344 of the ATP6AP1 protein (p.Arg344His). This variant is present in population databases (no rsID available, gnomAD no frequency), including at least one homozygous and/or hemizygous individual. This variant has not been reported in the literature in individuals affected with ATP6AP1-related conditions. ClinVar contains an entry for this variant (Variation ID: 1339117). Invitae Evidence Modeling of protein sequence and biophysical properties (such as structural, functional, and spatial information, amino acid conservation, physicochemical variation, residue mobility, and thermodynamic stability) indicates that this missense variant is not expected to disrupt ATP6AP1 protein function with a negative predictive value of 80%. In summary, the available evidence is currently insufficient to determine the role of this variant in disease. Therefore, it has been classified as a Variant of Uncertain Significance.

Ambry Genetics
Classification: Uncertain significance for Inborn genetic diseases. Last evaluated: 2021-07-21. Review status: criteria provided, single submitter. Criteria: Ambry Variant Classification Scheme 2023. Collection method: clinical testing. Allele origin: germline.

Revvity Omics, Revvity
Classification: Uncertain significance for Immunodeficiency 47. Last evaluated: 2021-05-11. Review status: criteria provided, single submitter. Criteria: ACMG Guidelines, 2015. Collection method: clinical testing. Allele origin: germline.

Neuberg Centre For Genomic Medicine, NCGM
Classification: Uncertain significance for Immunodeficiency 47. Review status: criteria provided, single submitter. Criteria: ACMG Guidelines, 2015. Collection method: clinical testing. Allele origin: germline. Affected: yes.
Comment: The missense variant p.R344H in ATP6AP1 (NM_001183.6) has not been reported previously as a pathogenic variant nor as a benign variant, to our knowledge. The p.R344H variant is novel (not in any individuals) in gnomAD Exomes and is novel (not in any individuals) in 1000 Genomes. The p.R344H missense variant is predicted to be tolerated by both SIFT or PolyPhen2. The nucleotide c.1031 in ATP6AP1 is not conserved according to a GERP++ and PhyloP analysis of 100 vertebrates. For these reasons, this variant has been classified as Uncertain Significance.